The following is an entry in ClinVar:

NM_001378452.1(ITPR1):c.5833G>A (p.Asp1945Asn)

Gene: ITPR1 (inositol 1,4,5-trisphosphate receptor type 1; plus strand). Cytogenetic location: 3p26.1.
Variant type: single nucleotide variant.
Coding change: c.5833G>A on transcript NM_001378452.1 (MANE Select); coding-DNA position 5833, G replaced by A.
Protein change: p.Asp1945Asn; replaces aspartic acid 1945 with asparagine.
Molecular consequence: missense variant.
Genome position (GRCh38, 1-based): chr3:4,768,618, G>A. VCF-style: chr3-4768618-G-A. GRCh37 (hg19) VCF-style: chr3-4810302-G-A.
Other names: c.5689G>A, p.Asp1897Asn (NM_001099952.4); c.5788G>A, p.Asp1930Asn (NM_001168272.2); c.5644G>A, p.Asp1882Asn (NM_002222.7); short protein forms D1882N, D1897N, D1930N, D1945N.
Identifiers: ClinVar variation 3343155 (VCV003343155.1).

ClinVar aggregate classification (germline): Uncertain significance (1 of 4 stars; one submission).

gnomAD v4.1: 11 of 1,613,994 alleles (0.00068%); highest among the groups gnomAD compares: South Asian, 0.0011%; no homozygotes.

Submission:

GeneDx
Classification: Uncertain significance. Last evaluated: 2023-04-27. Review status: criteria provided, single submitter. Criteria: GeneDx Variant Classification Process June 2021. Collection method: clinical testing. Allele origin: germline. Affected: yes.
Comment: In silico analysis supports that this missense variant does not alter protein structure/function; Has not been previously published as pathogenic or benign to our knowledge